The following is an entry in ClinVar:

ClinVar aggregate classification (germline): Uncertain significance (1 of 4 stars; one submission).

Allele frequency attached by ClinVar (database versions not stated): gnomAD 0.00001; gnomAD exomes 0.00001.
gnomAD v4.1: 4 of 1,613,524 alleles (0.00025%); highest among the groups gnomAD compares: South Asian, 0.0044%; no homozygotes.

Submission:

Labcorp Genetics (formerly Invitae), Labcorp
Classification: Uncertain significance. Last evaluated: 2022-08-22. Review status: criteria provided, single submitter. Criteria: Invitae Variant Classification Sherloc (09022015). Collection method: clinical testing. Allele origin: germline.
Comment: This sequence change replaces aspartic acid, which is acidic and polar, with glutamic acid, which is acidic and polar, at codon 389 of the MYO15A protein (p.Asp389Glu). This variant is not present in population databases (gnomAD no frequency). This variant has not been reported in the literature in individuals affected with MYO15A-related conditions. Advanced modeling of protein sequence and biophysical properties (such as structural, functional, and spatial information, amino acid conservation, physicochemical variation, residue mobility, and thermodynamic stability) performed at Invitae indicates that this missense variant is not expected to disrupt MYO15A protein function. In summary, the available evidence is currently insufficient to determine the role of this variant in disease. Therefore, it has been classified as a Variant of Uncertain Significance.

NM_016239.4(MYO15A):c.1167C>A (p.Asp389Glu)

Gene: MYO15A (myosin XVA; plus strand). Cytogenetic location: 17p11.2.
Variant type: single nucleotide variant.
Coding change: c.1167C>A on transcript NM_016239.4 (MANE Select); coding-DNA position 1167, C replaced by A.
Protein change: p.Asp389Glu; replaces aspartic acid 389 with glutamic acid.
Molecular consequence: missense variant.
Genome position (GRCh38, 1-based): chr17:18,119,967, C>A. VCF-style: chr17-18119967-C-A. GRCh37 (hg19) VCF-style: chr17-18023281-C-A.
Other names: short protein forms D389E.
Identifiers: ClinVar variation 2100073 (VCV002100073.1), dbSNP rs2045878886, ClinGen allele CA398577353.
Genomic context (GRCh38, chr17:18,119,967, plus strand): 5'-TGATCCCTACGGAGTCCACTACACCGTCCCCTATGCCGAAGGCGTCTATGGCGGTGGGGA[C>A]GAGGCCATCTACCCCCCCGAGGTGCCCTATTTTTACCCGGAGGAGTCGGCTTCGGCCTTT-3'
Protein context (NP_057323.3, residues 379-399): PYAEGVYGGG[Asp389Glu]EAIYPPEVPY